The following is an entry in ClinVar:

ClinVar aggregate classification (germline): Uncertain significance (1 of 4 stars; one submission).

Submission:

CeGaT Center for Human Genetics Tuebingen
Classification: Uncertain significance. Last evaluated: 2022-08-01. Review status: criteria provided, single submitter. Criteria: CeGaT Center For Human Genetics Tuebingen Variant Classification Criteria Version 2. Collection method: clinical testing. Allele origin: germline. Affected: yes. Observed: 1 variant allele.
Comment: KIF4A: PM2, PP2, BP4

NM_012310.5(KIF4A):c.395T>C (p.Phe132Ser)

Gene: KIF4A (kinesin family member 4A; plus strand). Cytogenetic location: Xq13.1.
Variant type: single nucleotide variant.
Coding change: c.395T>C on transcript NM_012310.5 (MANE Select); coding-DNA position 395, T replaced by C.
Protein change: p.Phe132Ser; replaces phenylalanine 132 with serine.
Molecular consequence: missense variant.
Genome position (GRCh38, 1-based): chrX:70,297,157, T>C. VCF-style: chrX-70297157-T-C. GRCh37 (hg19) VCF-style: chrX-69517007-T-C.
Other names: short protein forms F132S.
Identifiers: ClinVar variation 2660814 (VCV002660814.24), dbSNP rs2521017015, ClinGen allele CA413486634.